The following is an entry in ClinVar:

ClinVar aggregate classification (germline): Benign/Likely benign. Review status: criteria provided, multiple submitters, no conflicts (2 of 4 stars). 3 submissions from 3 submitters: Benign (1); Likely benign (2). Last evaluated 2025-12-21.

Conditions:
Pheochromocytoma/paraganglioma syndrome 5. Also called: Paragangliomas 5; SDHA-Related Hereditary Paraganglioma-Pheochromocytoma Syndrome. Identifiers: Orphanet 29072, MedGen C3279992, MONDO:0013602, OMIM 614165.
Mitochondrial complex II deficiency, nuclear type 1. Also called: SUCCINATE CoQ REDUCTASE DEFICIENCY. Identifiers: Orphanet 3208, MedGen C5700310, MONDO:0100294, OMIM 252011.
Hereditary cancer-predisposing syndrome. Also called: Tumor predisposition; Neoplastic Syndromes, Hereditary; Hereditary Cancer Syndrome; Hereditary neoplastic syndrome. Identifiers: Orphanet 140162, MedGen C0027672, MeSH D009386, MONDO:0015356.

Allele frequency attached by ClinVar (database versions not stated): gnomAD exomes below 0.00001; gnomAD 0.00001.
gnomAD v4.1: 2 of 1,613,852 alleles (0.00012%); highest among the groups gnomAD compares: East Asian, 0.0045%; no homozygotes.

Submissions (3):

Labcorp Genetics (formerly Invitae), Labcorp
Classification: Likely benign for Pheochromocytoma/paraganglioma syndrome 5; Mitochondrial complex II deficiency, nuclear type 1. Last evaluated: 2025-12-21. Review status: criteria provided, single submitter. Criteria: Invitae Variant Classification Sherloc (09022015). Collection method: clinical testing. Allele origin: germline.

Myriad Genetics, Inc.
Classification: Benign for Pheochromocytoma/paraganglioma syndrome 5. Last evaluated: 2025-03-07. Review status: criteria provided, single submitter. Criteria: Myriad Autosomal Dominant, Autosomal Recessive and X-Linked Classification Criteria (2023). Collection method: clinical testing. Allele origin: unknown.
Comment: This variant is considered benign. This variant is a silent/synonymous amino acid change and it is not expected to impact splicing.

Ambry Genetics
Classification: Likely benign for Hereditary cancer-predisposing syndrome. Last evaluated: 2021-01-25. Review status: criteria provided, single submitter. Criteria: Ambry Variant Classification Scheme 2023. Collection method: clinical testing. Allele origin: germline.

NM_004168.4(SDHA):c.1104G>A (p.Leu368=)

Gene: SDHA (succinate dehydrogenase complex flavoprotein subunit A; plus strand). Cytogenetic location: 5p15.33.
Variant type: single nucleotide variant.
Coding change: c.1104G>A on transcript NM_004168.4 (MANE Select); coding-DNA position 1104, G replaced by A.
Protein change: p.Leu368=; no amino-acid change (leucine 368 retained).
Molecular consequence: synonymous variant.
Genome position (GRCh38, 1-based): chr5:235,183, G>A. VCF-style: chr5-235183-G-A. GRCh37 (hg19) VCF-style: chr5-235298-G-A.
Other names: c.960G>A, p.Leu320= (NM_001294332.2); c.1104G>A, p.Leu368= (NM_001330758.2).
Identifiers: ClinVar variation 1096619 (VCV001096619.12), dbSNP rs2126584401, ClinGen allele CA442691941.
Genomic context (GRCh38, chr5:235,183, plus strand): 5'-GATGGTGTTCTGTCTTACCAGAGGCTGTGGCCCTGAGAAAGATCACGTCTACCTGCAGCT[G>A]CACCACCTACCTCCAGAGCAGCTGGCCACGCGCCTGCCTGGCATTTCAGAGACAGCCATG-3'
Protein context (NP_004159.2, residues 358-378): GPEKDHVYLQ[Leu368=]HHLPPEQLAT